The following is an entry in ClinVar:

ClinVar aggregate classification (germline): Likely benign (1 of 4 stars; one submission).

gnomAD v4.1: 97 of 1,613,484 alleles (0.006%); highest among the groups gnomAD compares: Non-Finnish European, 0.0075%; no homozygotes.

Submission:

CeGaT Center for Human Genetics Tuebingen
Classification: Likely benign. Last evaluated: 2025-07-01. Review status: criteria provided, single submitter. Criteria: CeGaT Center For Human Genetics Tuebingen Variant Classification Criteria Version 2. Collection method: clinical testing. Allele origin: germline. Affected: yes. Observed: 1 variant allele.
Comment: NBEA: BP4, BP7

NM_001385012.1(NBEA):c.2958T>G (p.Gly986=)

Gene: NBEA (neurobeachin; plus strand). Cytogenetic location: 13q13.3.
Variant type: single nucleotide variant.
Coding change: c.2958T>G on transcript NM_001385012.1 (MANE Select); coding-DNA position 2958, T replaced by G.
Protein change: p.Gly986=; no amino-acid change (glycine 986 retained).
Molecular consequence: synonymous variant.
Genome position (GRCh38, 1-based): chr13:35,159,129, T>G. VCF-style: chr13-35159129-T-G. GRCh37 (hg19) VCF-style: chr13-35733266-T-G.
Other names: c.2958T>G, p.Gly986= (NM_001379245.1, NM_015678.5).
Identifiers: ClinVar variation 4084454 (VCV004084454.8).